The following is an entry in ClinVar:

ClinVar aggregate classification (germline): Uncertain significance (1 of 4 stars; one submission).

Conditions:
ATM-related disorder. Also called: ATM-related disorders; ATM-related condition.

gnomAD v4.1: 1 of 1,613,532 alleles (0.000062%); highest among the groups gnomAD compares: Non-Finnish European, 0.000085%; no homozygotes.

Submission:

PreventionGenetics, part of Exact Sciences
Classification: Uncertain significance for ATM-related condition. Last evaluated: 2023-06-30. Review status: criteria provided, single submitter. Criteria: ACMG Guidelines, 2015. Collection method: clinical testing. Allele origin: germline.
Comment: The ATM c.5192C>T variant is predicted to result in the amino acid substitution p.Ser1731Leu. To our knowledge, this variant has not been reported in the literature or in a large population database, indicating this variant is rare. At this time, the clinical significance of this variant is uncertain due to the absence of conclusive functional and genetic evidence.

NM_000051.4(ATM):c.5192C>T (p.Ser1731Leu)

Gene: ATM (ATM serine/threonine kinase; plus strand). Cytogenetic location: 11q22.3.
Variant type: single nucleotide variant.
Coding change: c.5192C>T on transcript NM_000051.4 (MANE Select); coding-DNA position 5192, C replaced by T.
Protein change: p.Ser1731Leu; replaces serine 1731 with leucine.
Molecular consequence: missense variant.
Genome position (GRCh38, 1-based): chr11:108,301,662, C>T. VCF-style: chr11-108301662-C-T. GRCh37 (hg19) VCF-style: chr11-108172389-C-T.
Other names: c.5192C>T, p.Ser1731Leu (NM_001351834.2); short protein forms S1731L.
Identifiers: ClinVar variation 2631262 (VCV002631262.1), dbSNP rs886039627, ClinGen allele CA382542151.